The following is an entry in ClinVar:

ClinVar aggregate classification (germline): Uncertain significance (1 of 4 stars; one submission).

Conditions:
Cystic fibrosis (CF). Also called: MUCOVISCIDOSIS. Identifiers: Orphanet 586, MedGen C0010674, MONDO:0009061, OMIM 219700. Disease mechanism: loss of function.

gnomAD v4.1: 2 of 1,613,892 alleles (0.00012%); highest among the groups gnomAD compares: Non-Finnish European, 0.00017%; no homozygotes.

Submission:

Ambry Genetics
Classification: Uncertain significance for Cystic fibrosis. Last evaluated: 2025-03-22. Review status: criteria provided, single submitter. Criteria: Ambry Variant Classification Scheme 2023. Collection method: clinical testing. Allele origin: germline.
Comment: The p.D891N variant (also known as c.2671G>A), located in coding exon 17 of the CFTR gene, results from a G to A substitution at nucleotide position 2671. The aspartic acid at codon 891 is replaced by asparagine, an amino acid with highly similar properties. This amino acid position is conserved. In addition, this alteration is predicted to be tolerated by in silico analysis. Based on the available evidence, the clinical significance of this variant remains unclear.

NM_000492.4(CFTR):c.2671G>A (p.Asp891Asn)

Gene: CFTR (CF transmembrane conductance regulator; plus strand). Cytogenetic location: 7q31.2.
Variant type: single nucleotide variant.
Coding change: c.2671G>A on transcript NM_000492.4 (MANE Select); coding-DNA position 2671, G replaced by A.
Protein change: p.Asp891Asn; replaces aspartic acid 891 with asparagine.
Molecular consequence: missense variant.
Genome position (GRCh38, 1-based): chr7:117,603,545, G>A. VCF-style: chr7-117603545-G-A. GRCh37 (hg19) VCF-style: chr7-117243599-G-A.
Other names: short protein forms D891N.
Identifiers: ClinVar variation 4001827 (VCV004001827.1).